The following is an entry in ClinVar:

ClinVar aggregate classification (germline): Benign/Likely benign. Review status: criteria provided, multiple submitters, no conflicts (2 of 4 stars). 7 submissions from 7 submitters: Benign (3); Likely benign (1). 3 of the submissions do not count toward it. Last evaluated 2026-01-26.

Conditions:
C6-related disorder. Also called: C6-related condition.

Allele frequency attached by ClinVar (database versions not stated): ESP Exome Variant Server 0.00069; 1000 Genomes Project 0.00140; 1000 Genomes Project 30x 0.00141.
gnomAD v4.1: 1,478 of 1,614,094 alleles (0.092%); highest among the groups gnomAD compares: Middle Eastern, 0.73%; 7 homozygotes.

Submissions (7):

Labcorp Genetics (formerly Invitae), Labcorp
Classification: Benign. Last evaluated: 2026-01-26. Review status: criteria provided, single submitter. Criteria: Invitae Variant Classification Sherloc (09022015). Collection method: clinical testing. Allele origin: germline.

Blueprint Genetics
Classification: Likely benign. Last evaluated: 2024-11-06. Review status: criteria provided, single submitter. Criteria: ACMG Guidelines, 2015. Collection method: clinical testing. Allele origin: germline.

CeGaT Center for Human Genetics Tuebingen
Classification: Benign. Last evaluated: 2023-03-01. Review status: criteria provided, single submitter. Criteria: CeGaT Center For Human Genetics Tuebingen Variant Classification Criteria Version 2. Collection method: clinical testing. Allele origin: germline. Affected: yes. Observed: 1 variant allele.
Comment: C6: BP4, BS1, BS2

Breakthrough Genomics
Classification: Benign. Review status: criteria provided, single submitter. Criteria: ACMG Guidelines, 2015. Collection method: not provided. Allele origin: germline. Inheritance: Autosomal recessive inheritance. Affected: yes.

PreventionGenetics, part of Exact Sciences
Classification: Likely benign for C6-related condition. Last evaluated: 2022-02-28. Review status: no assertion criteria provided. Collection method: clinical testing. Allele origin: germline. Not counted in ClinVar's aggregate classification.
Comment: This variant is classified as likely benign based on ACMG/AMP sequence variant interpretation guidelines (Richards et al. 2015 PMID: 25741868, with internal and published modifications).

Clinical Genetics DNA and cytogenetics Diagnostics Lab, Erasmus MC, Erasmus Medical Center
Classification: Likely benign. Review status: no assertion criteria provided. Collection method: clinical testing. Allele origin: germline. Affected: yes. Study: VKGL Data-share Consensus. Not counted in ClinVar's aggregate classification.

Genome Diagnostics Laboratory, University Medical Center Utrecht
Classification: Benign. Review status: no assertion criteria provided. Collection method: clinical testing. Allele origin: germline. Affected: yes. Study: VKGL Data-share Consensus. Not counted in ClinVar's aggregate classification.

NM_000065.5(C6):c.10C>T (p.Arg4Cys)

Gene: C6 (complement C6; minus strand). Cytogenetic location: 5p13.1.
Variant type: single nucleotide variant.
Coding change: c.10C>T on transcript NM_000065.5 (MANE Select); coding-DNA position 10, C replaced by T.
Protein change: p.Arg4Cys; replaces arginine 4 with cysteine.
Molecular consequence: missense variant.
Genome position (GRCh38, 1-based): chr5:41,203,221, G>A on the plus strand (C>T on the coding strand, the complement: C6 is on the minus strand). VCF-style: chr5-41203221-G-A. GRCh37 (hg19) VCF-style: chr5-41203323-G-A.
Other names: c.10C>T, p.Arg4Cys (NM_001115131.4); c.10C>T (NM_000065.3); short protein forms R4C.
Identifiers: ClinVar variation 1166688 (VCV001166688.37), dbSNP rs150931891, ClinGen allele CA3252916.